The following is an entry in ClinVar:

NM_001037.5(SCN1B):c.448+85G>T

Gene: SCN1B (sodium voltage-gated channel beta subunit 1; plus strand). Cytogenetic location: 19q13.11.
Variant type: single nucleotide variant.
Coding change: c.448+85G>T on transcript NM_001037.5 (MANE Select); 85 bases into the intron after coding-DNA position 448, G replaced by T.
Molecular consequence: intron variant. On other transcripts: missense variant (1).
Genome position (GRCh38, 1-based): chr19:35,033,824, G>T. VCF-style: chr19-35033824-G-T. GRCh37 (hg19) VCF-style: chr19-35524728-G-T.
Other names: c.533G>T, p.Gly178Val (NM_199037.5); c.349+85G>T (NM_001321605.2); short protein forms G178V.
Identifiers: ClinVar variation 982641 (VCV000982641.5), dbSNP rs2064230859, ClinGen allele CA405329254.

ClinVar aggregate classification (germline): Uncertain significance. Review status: criteria provided, multiple submitters, no conflicts (2 of 4 stars). 2 submissions from 2 submitters: Uncertain significance (2). Last evaluated 2022-09-07.

Conditions:
Brugada syndrome 5 (BRGDA5). Identifiers: Orphanet 130, Orphanet 871, MedGen C2748541, MONDO:0013015, OMIM 612838.

Submissions (2):

Labcorp Genetics (formerly Invitae), Labcorp
Classification: Uncertain significance for Brugada syndrome 5. Last evaluated: 2022-09-07. Review status: criteria provided, single submitter. Criteria: Invitae Variant Classification Sherloc (09022015). Collection method: clinical testing. Allele origin: germline.
Comment: In summary, the available evidence is currently insufficient to determine the role of this variant in disease. Therefore, it has been classified as a Variant of Uncertain Significance. Algorithms developed to predict the effect of missense changes on protein structure and function are either unavailable or do not agree on the potential impact of this missense change (SIFT: "Deleterious"; PolyPhen-2: "Probably Damaging"; Align-GVGD: "Class C0"). ClinVar contains an entry for this variant (Variation ID: 982641). This variant has not been reported in the literature in individuals affected with SCN1B-related conditions. This variant is not present in population databases (gnomAD no frequency). This sequence change replaces glycine, which is neutral and non-polar, with valine, which is neutral and non-polar, at codon 178 of the SCN1B protein (p.Gly178Val).

Institute of Human Genetics, University of Leipzig Medical Center
Classification: Uncertain significance for Brugada syndrome 5. Last evaluated: 2019-01-01. Review status: criteria provided, single submitter. Criteria: ACMG Guidelines, 2015. Collection method: clinical testing. Allele origin: unknown. Affected: yes.